The following is an entry in ClinVar:

NM_016122.3(CEP83):c.1948C>T (p.Gln650Ter)

Gene: CEP83 (centrosomal protein 83; minus strand). Cytogenetic location: 12q22.
Variant type: single nucleotide variant.
Coding change: c.1948C>T on transcript NM_016122.3 (MANE Select); coding-DNA position 1948, C replaced by T.
Protein change: p.Gln650Ter; replaces glutamine 650 with a stop codon.
Molecular consequence: nonsense. On other transcripts: non-coding transcript variant (2).
Genome position (GRCh38, 1-based): chr12:94,309,971, G>A on the plus strand (C>T on the coding strand, the complement: CEP83 is on the minus strand). VCF-style: chr12-94309971-G-A. GRCh37 (hg19) VCF-style: chr12-94703747-G-A.
Other names: c.1948C>T, p.Gln650Ter (NM_001042399.2, NM_001346457.2, NM_001368037.1 and 1 more transcripts); c.1636C>T, p.Gln546Ter (NM_001346458.2, NM_001346459.2, NM_001368039.1 and 1 more transcripts); c.1723C>T, p.Gln575Ter (NM_001368041.1); short protein forms Q546*, Q575*, Q650*.
Identifiers: ClinVar variation 2419008 (VCV002419008.6), dbSNP rs2541064312, ClinGen allele CA386046288.
Genomic context (GRCh38, chr12:94,309,971, plus strand): 5'-CTCATACCTGCATATGAGGAGGAAATGGTAGTTCCATGCTTGGAACCATGGCTGATGACT[G>A]AAAGCTAACAGGATTGATAGATGCTGTTGGAGGCATGTTAGGAACCAAAATTAGACTTCG-3'

ClinVar aggregate classification (germline): Pathogenic (1 of 4 stars; one submission).

Conditions:
Nephronophthisis 18 (NPHP18). Identifiers: Orphanet 655, MedGen C3890591, MONDO:0014374, OMIM 615862.

Allele frequency attached by ClinVar (database versions not stated): gnomAD exomes below 0.00001.
gnomAD v4.1: 1 of 1,611,408 alleles (0.000062%); highest among the groups gnomAD compares: Non-Finnish European, 0.000085%; no homozygotes.

Submission:

Labcorp Genetics (formerly Invitae), Labcorp
Classification: Pathogenic for Nephronophthisis 18. Last evaluated: 2024-10-25. Review status: criteria provided, single submitter. Criteria: Invitae Variant Classification Sherloc (09022015). Collection method: clinical testing. Allele origin: germline.
Comment: This sequence change creates a premature translational stop signal (p.Gln650*) in the CEP83 gene. It is expected to result in an absent or disrupted protein product. Loss-of-function variants in CEP83 are known to be pathogenic (PMID: 23530209, 24882706). This variant is not present in population databases (gnomAD no frequency). This variant has not been reported in the literature in individuals affected with CEP83-related conditions. ClinVar contains an entry for this variant (Variation ID: 2419008). For these reasons, this variant has been classified as Pathogenic.

Literature cited by the submitters: PubMed 23530209; PubMed 24882706.